The following is an entry in ClinVar:

ClinVar aggregate classification (germline): Uncertain significance. Review status: criteria provided, multiple submitters, no conflicts (2 of 4 stars). 7 submissions from 7 submitters: Uncertain significance (6). 1 of the submissions does not count toward it. Last evaluated 2026-04-05.

Conditions:
Cohen syndrome (COH1). Also called: PEPPER SYNDROME; Cutis verticis gyrata, retinitis pigmentosa, and sensorineural deafness. Identifiers: Orphanet 193, MedGen C0265223, MONDO:0008999, OMIM 216550.
VPS13B-related disorder. Also called: VPS13B-related condition.

Allele frequency attached by ClinVar (database versions not stated): gnomAD 0.00001; TOPMed 0.00001; gnomAD exomes 0.00003; ExAC 0.00005.
gnomAD v4.1: 48 of 1,612,392 alleles (0.003%); highest among the groups gnomAD compares: South Asian, 0.0066%; no homozygotes.

Submissions (7):

PreventionGenetics, part of Exact Sciences
Classification: Uncertain significance for VPS13B-related condition. Last evaluated: 2026-04-05. Review status: criteria provided, single submitter. Criteria: ACMG Guidelines, 2015. Collection method: clinical testing. Allele origin: germline.
Comment: The VPS13B c.4763G>T variant is predicted to result in the amino acid substitution p.Gly1588Val. To our knowledge, this variant has not been reported in the literature. This variant is reported in 0.016% of alleles in individuals of South Asian descent in gnomAD. At this time, the clinical significance of this variant is uncertain due to the absence of conclusive functional and genetic evidence.

Labcorp Genetics (formerly Invitae), Labcorp
Classification: Uncertain significance for Cohen syndrome. Last evaluated: 2025-10-06. Review status: criteria provided, single submitter. Criteria: Invitae Variant Classification Sherloc (09022015). Collection method: clinical testing. Allele origin: germline.
Comment: This sequence change replaces glycine, which is neutral and non-polar, with valine, which is neutral and non-polar, at codon 1613 of the VPS13B protein (p.Gly1613Val). This variant is present in population databases (rs760057249, gnomAD 0.02%). This variant has not been reported in the literature in individuals affected with VPS13B-related conditions. ClinVar contains an entry for this variant (Variation ID: 871626). Invitae Evidence Modeling of protein sequence and biophysical properties (such as structural, functional, and spatial information, amino acid conservation, physicochemical variation, residue mobility, and thermodynamic stability) indicates that this missense variant is expected to disrupt VPS13B protein function with a positive predictive value of 80%. In summary, the available evidence is currently insufficient to determine the role of this variant in disease. Therefore, it has been classified as a Variant of Uncertain Significance.

Blueprint Genetics
Classification: Uncertain significance. Last evaluated: 2024-09-24. Review status: criteria provided, single submitter. Criteria: ACMG Guidelines, 2015. Collection method: clinical testing. Allele origin: germline.

GeneDx
Classification: Uncertain significance. Last evaluated: 2024-06-23. Review status: criteria provided, single submitter. Criteria: GeneDx Variant Classification Process June 2021. Collection method: clinical testing. Allele origin: germline. Affected: yes.
Comment: In silico analysis supports that this missense variant has a deleterious effect on protein structure/function; Has not been previously published as pathogenic or benign to our knowledge

Institute for Clinical Genetics, University Hospital TU Dresden, University Hospital TU Dresden
Classification: Uncertain significance. Last evaluated: 2021-11-03. Review status: criteria provided, single submitter. Criteria: ACMG Guidelines, 2015. Collection method: clinical testing. Allele origin: germline.

CeGaT Center for Human Genetics Tuebingen
Classification: Uncertain significance. Last evaluated: 2020-05-01. Review status: criteria provided, single submitter. Criteria: CeGaT Center For Human Genetics Tuebingen Variant Classification Criteria Version 2. Collection method: clinical testing. Allele origin: germline. Affected: yes. Observed: 2 variant alleles.

Natera, Inc.
Classification: Uncertain significance for Cohen syndrome. Last evaluated: 2020-11-10. Review status: no assertion criteria provided. Collection method: clinical testing. Allele origin: germline. Not counted in ClinVar's aggregate classification.

NM_152564.5(VPS13B):c.4763G>T (p.Gly1588Val)

Gene: VPS13B (vacuolar protein sorting 13 homolog B; plus strand). Cytogenetic location: 8q22.2.
Variant type: single nucleotide variant.
Coding change: c.4763G>T on transcript NM_152564.5 (MANE Select); coding-DNA position 4763, G replaced by T.
Protein change: p.Gly1588Val; replaces glycine 1588 with valine.
Molecular consequence: missense variant.
Genome position (GRCh38, 1-based): chr8:99,556,467, G>T. VCF-style: chr8-99556467-G-T. GRCh37 (hg19) VCF-style: chr8-100568695-G-T.
Other names: c.4838G>T, p.Gly1613Val (NM_017890.5); c.4838G>T (NM_017890.3); c.4763G>T (NM_152564.4); short protein forms G1613V, G1588V.
Identifiers: ClinVar variation 871626 (VCV000871626.52), dbSNP rs760057249, ClinGen allele CA4823659.